The following is an entry in ClinVar:

ClinVar aggregate classification (germline): Pathogenic/Likely pathogenic. Review status: criteria provided, multiple submitters, no conflicts (2 of 4 stars). 5 submissions from 5 submitters: Pathogenic (2); Likely pathogenic (2). 1 of the submissions does not count toward it. Last evaluated 2025-06-20.

Conditions:
Mitochondrial complex I deficiency, nuclear type 17. Also called: Mitochondrial complex 1 deficiency, nuclear type 17. Identifiers: MedGen C4748786, MONDO:0032622, OMIM 618239.

Allele frequency attached by ClinVar (database versions not stated): gnomAD exomes 0.00001 and 0.00005; gnomAD 0.00002; TOPMed 0.00003; ExAC 0.00019.
gnomAD v4.1: 19 of 1,289,234 alleles (0.0015%); highest among the groups gnomAD compares: Middle Eastern, 0.021%; no homozygotes.

Submissions (5):

Labcorp Genetics (formerly Invitae), Labcorp
Classification: Pathogenic. Last evaluated: 2025-06-20. Review status: criteria provided, single submitter. Criteria: Invitae Variant Classification Sherloc (09022015). Collection method: clinical testing. Allele origin: germline.
Comment: This sequence change falls in intron 3 of the NDUFAF6 gene. It does not directly change the encoded amino acid sequence of the NDUFAF6 protein. RNA analysis indicates that this variant induces altered splicing and may result in an absent or altered protein product. This variant is present in population databases (rs749738738, gnomAD 0.01%). This variant has been observed in individuals with Leigh syndrome (PMID: 29531337). It has also been observed to segregate with disease in related individuals. ClinVar contains an entry for this variant (Variation ID: 929495). Studies have shown that this variant results in out-of-frame inclusion of a cryptic exon, and produces a non-functional protein and/or introduces a premature termination codon (PMID: 29531337). For these reasons, this variant has been classified as Pathogenic.

Genomic Medicine Center of Excellence, King Faisal Specialist Hospital and Research Centre
Classification: Likely pathogenic for Mitochondrial complex I deficiency, nuclear type 17. Last evaluated: 2024-03-17. Review status: criteria provided, single submitter. Criteria: ACMG Guidelines, 2015. Collection method: research. Allele origin: germline.

3billion
Classification: Likely pathogenic for Mitochondrial complex I deficiency, nuclear type 17. Last evaluated: 2023-10-17. Review status: criteria provided, single submitter. Criteria: ACMG Guidelines, 2015. Collection method: clinical testing. Allele origin: germline. Affected: yes.
Comment: The variant is not observed in the gnomAD v2.1.1 dataset. Predicted Consequence/Location: Canonical splice site: predicted to alter splicing and result in a loss or disruption of normal protein function. Multiple pathogenic loss-of-function variants are reported downstream of the variant. Therefore, this variant is classified as Likely pathogenic according to the recommendation of ACMG/AMP guideline.

Victorian Clinical Genetics Services, Murdoch Childrens Research Institute
Classification: Pathogenic for Mitochondrial complex I deficiency, nuclear type 17. Last evaluated: 2022-02-02. Review status: criteria provided, single submitter. Criteria: ACMG Guidelines, 2015. Collection method: clinical testing. Allele origin: germline. Inheritance: Autosomal recessive inheritance. Affected: yes.
Comment: Based on the classification scheme VCGS_Germline_v1.3.4, this variant is classified as Pathogenic. Following criteria are met: 0102 - Loss of function is a known mechanism of disease in this gene and is associated with mitochondrial complex I deficiency, nuclear type 17 (MIM#618239) and fanconi renotubular syndrome 5 (MIM#618913). (I) 0106 - This gene is associated with autosomal recessive disease. (I) 0209 - Intronic variant proven to affect splicing of the transcript with uncertain effect on protein sequence. RNA studies showed abnormal splicing, however the outcome could not be conclusively established (PMID: 29531337). (SP) 0252 - This variant is homozygous. (I) 0304 - Variant is present in gnomAD (v2) <0.01 for a recessive condition (6 heterozygotes, 0 homozygotes). (SP) 0802 - This variant has moderate previous evidence of pathogenicity in unrelated individuals. It has been reported in a compound heterozygous state with a missense variant in four individuals with Leigh syndrome in three families from Southern Italy, with haplotype analysis suggesting it is not a recent founder variant (PMID: 29531337). This variant has also been reported in compound heterozygous state with a pathogenic premature termination variant in an affected individual (ClinVar). (I) Legend: (SP) - Supporting pathogenic, (I) - Information, (SB) - Supporting benign

OMIM
Classification: Pathogenic for MITOCHONDRIAL COMPLEX I DEFICIENCY, NUCLEAR TYPE 17. Last evaluated: 2020-06-23. Review status: no assertion criteria provided. Collection method: literature only. Allele origin: germline. Not counted in ClinVar's aggregate classification.

Literature cited by the submitters: PubMed 29531337 (cited by 4 submitters).

NM_152416.4(NDUFAF6):c.420+784C>T

Gene: NDUFAF6 (NADH:ubiquinone oxidoreductase complex assembly factor 6; plus strand). Cytogenetic location: 8q22.1.
Variant type: single nucleotide variant.
Coding change: c.420+784C>T on transcript NM_152416.4 (MANE Select); 784 bases into the intron after coding-DNA position 420, C replaced by T.
Molecular consequence: intron variant. On other transcripts: 5 prime UTR variant (4), non-coding transcript variant (1).
Genome position (GRCh38, 1-based): chr8:95,036,360, C>T. VCF-style: chr8-95036360-C-T. GRCh37 (hg19) VCF-style: chr8-96048588-C-T.
Other names: c.-171C>T (NM_001354524.2, NM_001354525.2, NM_001354528.2 and 1 more transcripts); c.87+784C>T (NM_001354534.2, NM_001354518.2, NM_001354519.2 and 1 more transcripts); c.144+784C>T (NM_001354514.2, NM_001354515.2, NM_001330582.2 and 1 more transcripts); c.-160-11C>T (NM_001354522.2, NM_001354532.2, NM_001354530.2 and 1 more transcripts); c.264+784C>T (NM_001354516.2); c.-259+784C>T (NM_001354527.2, NM_001354531.2).
Identifiers: ClinVar variation 929495 (VCV000929495.10), dbSNP rs749738738, ClinGen allele CA4814783.
Genomic context (GRCh38, chr8:95,036,360, plus strand): 5'-AGTGATTGCCAAAAGAGGGTTTCTGTAACAGGAGCCACCCACAGACCTGACAGTGGTACA[C>T]CTCTTCTCAGGTCTGCACACCAGCAGAGGCAGGCCCAGTTTCTGGGCCCCAGATTGACTT-3'